The following is an entry in ClinVar:

NM_000414.4(HSD17B4):c.836T>C (p.Phe279Ser)

Gene: HSD17B4 (hydroxysteroid 17-beta dehydrogenase 4; plus strand). Cytogenetic location: 5q23.1.
Variant type: single nucleotide variant.
Coding change: c.836T>C on transcript NM_000414.4 (MANE Select); coding-DNA position 836, T replaced by C.
Protein change: p.Phe279Ser; replaces phenylalanine 279 with serine.
Molecular consequence: missense variant. On other transcripts: non-coding transcript variant (2).
Genome position (GRCh38, 1-based): chr5:119,493,914, T>C. VCF-style: chr5-119493914-T-C. GRCh37 (hg19) VCF-style: chr5-118829609-T-C.
Other names: c.911T>C, p.Phe304Ser (NM_001199291.3); c.782T>C, p.Phe261Ser (NM_001199292.2); c.764T>C, p.Phe255Ser (NM_001292027.2); c.416T>C, p.Phe139Ser (NM_001292028.2); c.827T>C, p.Phe276Ser (NM_001374497.1); c.836T>C, p.Phe279Ser (NM_001374498.1); c.509T>C, p.Phe170Ser (NM_001374499.1); c.395T>C, p.Phe132Ser (NM_001374500.1); and 1 more; short protein forms F132S, F139S, F142S, F170S, F255S, F261S, F276S, F279S.
Identifiers: ClinVar variation 4687746 (VCV004687746.1).

ClinVar aggregate classification (germline): Uncertain significance (1 of 4 stars; one submission).

gnomAD v4.1: 3 of 1,613,398 alleles (0.00019%); highest among the groups gnomAD compares: Non-Finnish European, 0.00025%; no homozygotes.

Submission:

Women's Health and Genetics/Laboratory Corporation of America, LabCorp
Classification: Uncertain significance. Last evaluated: 2025-10-27. Review status: criteria provided, single submitter. Criteria: LabCorp Variant Classification Summary - May 2015. Collection method: clinical testing. Allele origin: germline.
Comment: Variant summary: HSD17B4 c.836T>C (p.Phe279Ser) results in a non-conservative amino acid change in the encoded protein sequence. Algorithms developed to predict the effect of missense changes on protein structure and function all suggest that this variant is likely to be disruptive. The variant was absent in 251006 control chromosomes. The available data on variant occurrences in the general population are insufficient to allow any conclusion about variant significance. c.836T>C has been observed in one individual affected with D-Bifunctional Protein Deficiency (Bae_2020). These data do not allow any conclusion about variant significance. To our knowledge, no experimental evidence demonstrating an impact on protein function has been reported. The following publication has been ascertained in the context of this evaluation (PMID: 33045774). No submitters have cited clinical-significance assessments for this variant to ClinVar. Based on the evidence outlined above, the variant was classified as uncertain significance.

Literature cited by the submitters: PubMed 33045774.